The following is an entry in ClinVar:

NM_001145809.2(MYH14):c.5591C>T (p.Ala1864Val)

Gene: MYH14 (myosin heavy chain 14; plus strand). Cytogenetic location: 19q13.33.
Variant type: single nucleotide variant.
Coding change: c.5591C>T on transcript NM_001145809.2 (MANE Select); coding-DNA position 5591, C replaced by T.
Protein change: p.Ala1864Val; replaces alanine 1864 with valine.
Molecular consequence: missense variant.
Genome position (GRCh38, 1-based): chr19:50,301,782, C>T. VCF-style: chr19-50301782-C-T. GRCh37 (hg19) VCF-style: chr19-50805039-C-T.
Other names: c.5492C>T, p.Ala1831Val (NM_001077186.2); c.5468C>T, p.Ala1823Val (NM_024729.4); short protein forms A1823V, A1864V, A1831V.
Identifiers: ClinVar variation 2103677 (VCV002103677.4), dbSNP rs2123478850, ClinGen allele CA406964911.

ClinVar aggregate classification (germline): Uncertain significance (1 of 4 stars; one submission).

Submission:

Labcorp Genetics (formerly Invitae), Labcorp
Classification: Uncertain significance. Last evaluated: 2022-02-25. Review status: criteria provided, single submitter. Criteria: Invitae Variant Classification Sherloc (09022015). Collection method: clinical testing. Allele origin: germline.
Comment: In summary, the available evidence is currently insufficient to determine the role of this variant in disease. Therefore, it has been classified as a Variant of Uncertain Significance. Algorithms developed to predict the effect of missense changes on protein structure and function (SIFT, PolyPhen-2, Align-GVGD) all suggest that this variant is likely to be disruptive. This variant has not been reported in the literature in individuals affected with MYH14-related conditions. This variant is not present in population databases (gnomAD no frequency). This sequence change replaces alanine, which is neutral and non-polar, with valine, which is neutral and non-polar, at codon 1823 of the MYH14 protein (p.Ala1823Val).